The following is an entry in ClinVar:

NM_001365088.1(SLC12A6):c.1116C>A (p.Phe372Leu)

Gene: SLC12A6 (solute carrier family 12 member 6; minus strand). Cytogenetic location: 15q14.
Variant type: single nucleotide variant.
Coding change: c.1116C>A on transcript NM_001365088.1 (MANE Select); coding-DNA position 1116, C replaced by A.
Protein change: p.Phe372Leu; replaces phenylalanine 372 with leucine.
Molecular consequence: missense variant.
Genome position (GRCh38, 1-based): chr15:34,254,350, G>T on the plus strand (C>A on the coding strand, the complement: SLC12A6 is on the minus strand). VCF-style: chr15-34254350-G-T. GRCh37 (hg19) VCF-style: chr15-34546551-G-T.
Other names: c.939C>A, p.Phe313Leu (NM_001042494.2, NM_001042495.2); c.1089C>A, p.Phe363Leu (NM_001042496.2); c.1071C>A, p.Phe357Leu (NM_001042497.2); c.963C>A, p.Phe321Leu (NM_005135.2); c.1116C>A, p.Phe372Leu (NM_133647.2); short protein forms F313L, F372L, F357L, F321L, F363L.
Identifiers: ClinVar variation 2880824 (VCV002880824.3), dbSNP rs2509816229, ClinGen allele CA391608386.

ClinVar aggregate classification (germline): Uncertain significance (1 of 4 stars; one submission).

Submission:

Labcorp Genetics (formerly Invitae), Labcorp
Classification: Uncertain significance. Last evaluated: 2023-05-01. Review status: criteria provided, single submitter. Criteria: Invitae Variant Classification Sherloc (09022015). Collection method: clinical testing. Allele origin: germline.
Comment: In summary, the available evidence is currently insufficient to determine the role of this variant in disease. Therefore, it has been classified as a Variant of Uncertain Significance. Advanced modeling of protein sequence and biophysical properties (such as structural, functional, and spatial information, amino acid conservation, physicochemical variation, residue mobility, and thermodynamic stability) performed at Invitae indicates that this missense variant is not expected to disrupt SLC12A6 protein function. This variant has not been reported in the literature in individuals affected with SLC12A6-related conditions. This variant is not present in population databases (gnomAD no frequency). This sequence change replaces phenylalanine, which is neutral and non-polar, with leucine, which is neutral and non-polar, at codon 372 of the SLC12A6 protein (p.Phe372Leu).